The following is an entry in ClinVar:

ClinVar aggregate classification (germline): Uncertain significance (1 of 4 stars; one submission).

Conditions:
VPS13B-related disorder. Also called: VPS13B-related condition.

gnomAD v4.1: 1 of 1,613,642 alleles (0.000062%); highest among the groups gnomAD compares: African/African-American, 0.0013%; no homozygotes.

Submission:

PreventionGenetics, part of Exact Sciences
Classification: Uncertain significance for VPS13B-related condition. Last evaluated: 2025-05-30. Review status: criteria provided, single submitter. Criteria: ACMG Guidelines, 2015. Collection method: clinical testing. Allele origin: germline.
Comment: The VPS13B c.3487A>T variant is predicted to result in the amino acid substitution p.Ile1163Leu. To our knowledge, this variant has not been reported in the literature or in a large population database (gnomAD), indicating this variant is rare. At this time, the clinical significance of this variant is uncertain due to the absence of conclusive functional and genetic evidence.

NM_152564.5(VPS13B):c.3487A>T (p.Ile1163Leu)

Gene: VPS13B (vacuolar protein sorting 13 homolog B; plus strand). Cytogenetic location: 8q22.2.
Variant type: single nucleotide variant.
Coding change: c.3487A>T on transcript NM_152564.5 (MANE Select); coding-DNA position 3487, A replaced by T.
Protein change: p.Ile1163Leu; replaces isoleucine 1163 with leucine.
Molecular consequence: missense variant.
Genome position (GRCh38, 1-based): chr8:99,467,455, A>T. VCF-style: chr8-99467455-A-T. GRCh37 (hg19) VCF-style: chr8-100479683-A-T.
Other names: c.3487A>T, p.Ile1163Leu (NM_017890.5); short protein forms I1163L.
Identifiers: ClinVar variation 4977288 (VCV004977288.1).
Genomic context (GRCh38, chr8:99,467,455, plus strand): 5'-CTTTTATCCCCTATATCAGGTGATGCTTTTCCTTGGACGATCAGCTTGCATAATTTCAGC[A>T]TATATACCCTTCTTGGAAAACAAGTGACACTTTGCCTAGTGGAACCTATGGGTTGCACCT-3'
Protein context (NP_689777.3, residues 1153-1173): PWTISLHNFS[Ile1163Leu]YTLLGKQVTL